The following is an entry in ClinVar:

ClinVar aggregate classification (germline): Uncertain significance (1 of 4 stars; one submission).

Conditions:
Dilated cardiomyopathy 1JJ (CMD1JJ). Identifiers: Orphanet 154, MedGen C3808935, MONDO:0014095, OMIM 615235.

Allele frequency attached by ClinVar (database versions not stated): gnomAD exomes 0.00001 and below 0.00001; TOPMed below 0.00001; ExAC 0.00001.
gnomAD v4.1: 1 of 1,613,230 alleles (0.000062%); highest among the groups gnomAD compares: Non-Finnish European, 0.000085%; no homozygotes.

Submission:

Labcorp Genetics (formerly Invitae), Labcorp
Classification: Uncertain significance for Dilated cardiomyopathy 1JJ. Last evaluated: 2021-11-20. Review status: criteria provided, single submitter. Criteria: Invitae Variant Classification Sherloc (09022015). Collection method: clinical testing. Allele origin: germline.
Comment: In summary, the available evidence is currently insufficient to determine the role of this variant in disease. Therefore, it has been classified as a Variant of Uncertain Significance. Algorithms developed to predict the effect of missense changes on protein structure and function output the following: SIFT: "Tolerated"; PolyPhen-2: "Benign"; Align-GVGD: "Class C0". The valine amino acid residue is found in multiple mammalian species, which suggests that this missense change does not adversely affect protein function. This variant has not been reported in the literature in individuals affected with LAMA4-related conditions. This variant is present in population databases (rs782046057, gnomAD 0.002%). This sequence change replaces isoleucine, which is neutral and non-polar, with valine, which is neutral and non-polar, at codon 1309 of the LAMA4 protein (p.Ile1309Val).

NM_001105206.3(LAMA4):c.3946A>G (p.Ile1316Val)

Gene: LAMA4 (laminin subunit alpha 4; minus strand). Cytogenetic location: 6q21.
Variant type: single nucleotide variant.
Coding change: c.3946A>G on transcript NM_001105206.3 (MANE Select); coding-DNA position 3946, A replaced by G.
Protein change: p.Ile1316Val; replaces isoleucine 1316 with valine.
Molecular consequence: missense variant.
Genome position (GRCh38, 1-based): chr6:112,130,990, T>C on the plus strand (A>G on the coding strand, the complement: LAMA4 is on the minus strand). VCF-style: chr6-112130990-T-C. GRCh37 (hg19) VCF-style: chr6-112452192-T-C.
Other names: c.3925A>G, p.Ile1309Val (NM_001105207.3, NM_002290.5); short protein forms I1316V, I1309V.
Identifiers: ClinVar variation 1433564 (VCV001433564.6), dbSNP rs782046057, ClinGen allele CA3965094.